The following is an entry in ClinVar:

ClinVar aggregate classification (germline): Uncertain significance. Review status: criteria provided, multiple submitters, no conflicts (2 of 4 stars). 5 submissions from 5 submitters: Uncertain significance (4). 1 of the submissions does not count toward it. Last evaluated 2025-12-24.

Conditions:
Cardiovascular phenotype. Identifiers: MedGen CN230736.
Cardiomyopathy (CMYO). Also called: Cardiomyopathies. Identifiers: Orphanet 167848, MedGen C0878544, MONDO:0004994, HP:0001638. Inheritance: Various modes of inheritance.
Becker muscular dystrophy (BMD). Also called: MUSCULAR DYSTROPHY, PSEUDOHYPERTROPHIC PROGRESSIVE, BECKER TYPE; Becker Muscular Dystrophy (BMD). Identifiers: Orphanet 98895, MedGen C0917713, MONDO:0010311, OMIM 300376.
Duchenne muscular dystrophy (DMD). Also called: Duchenne Muscular Dystrophy (DMD); MUSCULAR DYSTROPHY, PSEUDOHYPERTROPHIC PROGRESSIVE, DUCHENNE TYPE. Identifiers: Orphanet 98896, MedGen C0013264, MONDO:0010679, OMIM 310200.
Dystrophin deficiency.
Dilated cardiomyopathy 3B (CMD3B). Also called: CMD3B: DMD-Related Dilated Cardiomyopathy; CARDIOMYOPATHY, DILATED, X-LINKED; DMD-Associated Dilated Cardiomyopathy. Identifiers: Orphanet 154, MedGen C3668940, MONDO:0010542, OMIM 302045.

Allele frequency attached by ClinVar (database versions not stated): gnomAD 0.00001; TOPMed 0.00003.
gnomAD v4.1: 1 of 1,190,139 alleles (0.000084%); highest among the groups gnomAD compares: African/African-American, 0.0018%; no homozygotes.

Submissions (5):

Labcorp Genetics (formerly Invitae), Labcorp
Classification: Uncertain significance for Duchenne muscular dystrophy. Last evaluated: 2025-12-24. Review status: criteria provided, single submitter. Criteria: Invitae Variant Classification Sherloc (09022015). Collection method: clinical testing. Allele origin: germline.
Comment: This sequence change replaces valine, which is neutral and non-polar, with alanine, which is neutral and non-polar, at codon 25 of the DMD protein (p.Val25Ala). This variant is not present in population databases (gnomAD no frequency). This variant has not been reported in the literature in individuals affected with DMD-related conditions. ClinVar contains an entry for this variant (Variation ID: 264149). Invitae Evidence Modeling of protein sequence and biophysical properties (such as structural, functional, and spatial information, amino acid conservation, physicochemical variation, residue mobility, and thermodynamic stability) indicates that this missense variant is not expected to disrupt DMD protein function with a negative predictive value of 95%. In summary, the available evidence is currently insufficient to determine the role of this variant in disease. Therefore, it has been classified as a Variant of Uncertain Significance.

Fulgent Genetics
Classification: Uncertain significance for Becker muscular dystrophy; Dilated cardiomyopathy 3B; Duchenne muscular dystrophy. Last evaluated: 2021-10-25. Review status: criteria provided, single submitter. Criteria: ACMG Guidelines, 2015. Collection method: clinical testing. Allele origin: unknown.

Eurofins Ntd Llc (ga)
Classification: Uncertain significance. Last evaluated: 2016-09-25. Review status: criteria provided, single submitter. Criteria: EGL Classification Definitions 2015. Collection method: clinical testing. Allele origin: germline. Observed: 1 variant allele, 1 hemizygote.

Ambry Genetics
Classification: Uncertain significance for Cardiovascular phenotype. Last evaluated: 2015-07-15. Review status: criteria provided, single submitter. Criteria: Ambry Variant Classification Scheme 2023. Collection method: clinical testing. Allele origin: germline.
Comment: The p.V25A variant (also known as c.74T>C), located in coding exon 2 of the DMD gene, results from a T to C substitution at nucleotide position 74. The valine at codon 25 is replaced by alanine, an amino acid with similar properties. This variant was not reported in population based cohorts in the following databases: Database of Single Nucleotide Polymorphisms (dbSNP), NHLBI Exome Sequencing Project (ESP), and 1000 Genomes Project. In the ESP, this variant was not observed in 6472 samples with coverage at this position. This amino acid position is not well conserved in available vertebrate species. In addition, the in silico prediction for this alteration is inconclusive. Since supporting evidence for this variant is limited at this time, its clinical significance is unclear.

Natera, Inc.
Classification: Uncertain significance for Becker muscular dystrophy; Cardiomyopathy; Duchenne muscular dystrophy; Dystrophin deficiency. Last evaluated: 2019-02-15. Review status: no assertion criteria provided. Collection method: clinical testing. Allele origin: germline. Not counted in ClinVar's aggregate classification.

NM_004006.3(DMD):c.74T>C (p.Val25Ala)

Gene: DMD (dystrophin; minus strand). Cytogenetic location: Xp21.1.
Variant type: single nucleotide variant.
Coding change: c.74T>C on transcript NM_004006.3 (MANE Select); coding-DNA position 74, T replaced by C.
Protein change: p.Val25Ala; replaces valine 25 with alanine.
Molecular consequence: missense variant. On other transcripts: 5 prime UTR variant (1).
Genome position (GRCh38, 1-based): chrX:33,020,158, A>G on the plus strand (T>C on the coding strand, the complement: DMD is on the minus strand). VCF-style: chrX-33020158-A-G. GRCh37 (hg19) VCF-style: chrX-33038275-A-G.
Other names: c.50T>C, p.Val17Ala (NM_000109.4); c.62T>C, p.Val21Ala (NM_004009.3); c.-296T>C (NM_004010.3); short protein forms V25A, V17A, V21A.
Identifiers: ClinVar variation 264149 (VCV000264149.17), dbSNP rs886039061, ClinGen allele CA10587980.